The following is an entry in ClinVar:

ClinVar aggregate classification (germline): Likely benign. Review status: criteria provided, multiple submitters, no conflicts (2 of 4 stars). 2 submissions from 2 submitters: Likely benign (2). Last evaluated 2026-08-01.

Conditions:
Muscular dystrophy-dystroglycanopathy (congenital with impaired intellectual development), type B, 2. Also called: MUSCULAR DYSTROPHY, CONGENITAL, POMT2-RELATED; Muscular dystrophy-dystroglycanopathy (congenital with intellectual disability), type B2. Identifiers: MedGen C3150416, MONDO:0013160, OMIM 613156.
Muscular dystrophy-dystroglycanopathy (congenital with brain and eye anomalies), type A2. Also called: MUSCULAR DYSTROPHY-DYSTROGLYCANOPATHY (CONGENITAL WITH BRAIN AND EYE ANOMALIES), TYPE A, 2; WALKER-WARBURG SYNDROME OR MUSCLE-EYE-BRAIN DISEASE, POMT2-RELATED. Identifiers: Orphanet 588, Orphanet 899, MedGen C3150411, MONDO:0013154, OMIM 613150.
Autosomal recessive limb-girdle muscular dystrophy type 2N. Also called: MUSCULAR DYSTROPHY-DYSTROGLYCANOPATHY, LIMB-GIRDLE, POMT2-RELATED; Muscular dystrophy-dystroglycanopathy (limb-girdle), type C, 2. Identifiers: Orphanet 206559, MedGen C3150418, MONDO:0013162, OMIM 613158.

Allele frequency attached by ClinVar (database versions not stated): TOPMed below 0.00001; ExAC 0.00001; gnomAD 0.00001.
gnomAD v4.1: 6 of 1,613,612 alleles (0.00037%); highest among the groups gnomAD compares: South Asian, 0.0011%; no homozygotes.

Submissions (2):

CeGaT Center for Human Genetics Tuebingen
Classification: Likely benign. Last evaluated: 2026-08-01. Review status: criteria provided, single submitter. Criteria: CeGaT Center For Human Genetics Tuebingen Variant Classification Criteria Version 2. Collection method: clinical testing. Allele origin: germline. Affected: yes. Observed: 1 variant allele.
Comment: POMT2: BP4, BP7

Labcorp Genetics (formerly Invitae), Labcorp
Classification: Likely benign for Muscular dystrophy-dystroglycanopathy (congenital with impaired intellectual development), type B, 2; Muscular dystrophy-dystroglycanopathy (congenital with brain and eye anomalies), type A2; Autosomal recessive limb-girdle muscular dystrophy type 2N. Last evaluated: 2023-12-10. Review status: criteria provided, single submitter. Criteria: Invitae Variant Classification Sherloc (09022015). Collection method: clinical testing. Allele origin: germline.

NM_013382.7(POMT2):c.1536C>T (p.Leu512=)

Gene: POMT2 (protein O-mannosyltransferase 2; minus strand). Cytogenetic location: 14q24.3.
Variant type: single nucleotide variant.
Coding change: c.1536C>T on transcript NM_013382.7 (MANE Select); coding-DNA position 1536, C replaced by T.
Protein change: p.Leu512=; no amino-acid change (leucine 512 retained).
Molecular consequence: synonymous variant.
Genome position (GRCh38, 1-based): chr14:77,284,990, G>A on the plus strand (C>T on the coding strand, the complement: POMT2 is on the minus strand). VCF-style: chr14-77284990-G-A. GRCh37 (hg19) VCF-style: chr14-77751333-G-A.
Identifiers: ClinVar variation 2927037 (VCV002927037.4), dbSNP rs771117215, ClinGen allele CA7285820.
Genomic context (GRCh38, chr14:77,284,990, plus strand): 5'-CAGAAAGTGACCTCACTCACACTTGGGATTGATATGGTCCTCCACATTCCAGATGGAGTT[G>A]AGGGTTTCTTTCAGGTATGGGGTGCAAGTAACTTCCAACTGCTCCCAGCCCCTGTGAAAA-3'
Protein context (NP_037514.2, residues 502-522): VTCTPYLKET[Leu512=]NSIWNVEDHI